The following is an entry in ClinVar:

NC_012920.1(MT-ND5):m.13535A>G

Gene: MT-ND5 (mitochondrially encoded NADH dehydrogenase 5; plus strand).
Variant type: single nucleotide variant.
Genome position: chrM-13535-A-G.
Identifiers: ClinVar variation 693569 (VCV000693569.1), dbSNP rs1603224224, ClinGen allele CA414818423.

ClinVar aggregate classification (germline): Benign (1 of 4 stars; one submission).

Conditions:
Leigh syndrome (NULS). Also called: Leigh's necrotizing encephalopathy; Leigh's disease; Leigh Syndrome (mtDNA deletion); Leigh Disease; Subacute necrotizing encephalopathy; Necrotizing encephalopathy infantile subacute of Leigh. Identifiers: Orphanet 506, MedGen C2931891, MONDO:0009723, OMIM 256000.

Submission:

Wong Mito Lab, Molecular and Human Genetics, Baylor College of Medicine
Classification: Benign for Leigh syndrome. Last evaluated: 2019-10-17. Review status: criteria provided, single submitter. Criteria: Modified ACMG Guidelines (Unpublished). Collection method: clinical testing. Allele origin: germline.
Comment: The NC_012920.1:m.13535A>G (YP_003024036.1:p.Asn400Ser) variant in MTND5 gene is interpretated to be a Benign variant based on the modified ACMG guidelines (unpublished). This variant meets the following evidence codes: BS1, BS4, BP4